The following is an entry in ClinVar:

ClinVar aggregate classification (germline): Uncertain significance. Review status: criteria provided, multiple submitters, no conflicts (2 of 4 stars). 2 submissions from 2 submitters: Uncertain significance (2). Last evaluated 2026-03-16.

gnomAD v4.1: 4 of 1,610,272 alleles (0.00025%); highest among the groups gnomAD compares: Non-Finnish European, 0.00034%; no homozygotes.

Submissions (2):

Women's Health and Genetics/Laboratory Corporation of America, LabCorp
Classification: Uncertain significance. Last evaluated: 2026-03-16. Review status: criteria provided, single submitter. Criteria: LabCorp Variant Classification Summary - May 2015. Collection method: clinical testing. Allele origin: germline.
Comment: Variant summary: C1S c.1196-3C>T alters a conserved nucleotide located close to a canonical splice site and therefore could affect mRNA splicing, leading to a significantly altered protein sequence. Consensus agreement among computation tools predict no significant impact on normal splicing. However, these predictions have yet to be confirmed by functional studies. The variant was absent in 251386 control chromosomes. The available data on variant occurrences in the general population are insufficient to allow any conclusion about variant significance. To our knowledge, no occurrence of c.1196-3C>T in individuals affected with C1S-related conditions and no experimental evidence demonstrating its impact on protein function have been reported. ClinVar contains an entry for this variant (Variation ID: 4690590). Based on the evidence outlined above, the variant was classified as uncertain significance.

Labcorp Genetics (formerly Invitae), Labcorp
Classification: Uncertain significance. Last evaluated: 2025-08-14. Review status: criteria provided, single submitter. Criteria: Invitae Variant Classification Sherloc (09022015). Collection method: clinical testing. Allele origin: germline.
Comment: This sequence change falls in intron 10 of the C1S gene. It does not directly change the encoded amino acid sequence of the C1S protein. It affects a nucleotide within the consensus splice site. This variant is not present in population databases (gnomAD no frequency). This variant has not been reported in the literature in individuals affected with C1S-related conditions. Variants that disrupt the consensus splice site are a relatively common cause of aberrant splicing (PMID: 17576681, 9536098). Algorithms developed to predict the effect of sequence changes on RNA splicing suggest that this variant is not likely to affect RNA splicing. In summary, the available evidence is currently insufficient to determine the role of this variant in disease. Therefore, it has been classified as a Variant of Uncertain Significance.

Literature cited by the submitters: PubMed 17576681 (cited by Labcorp Genetics (formerly Invitae), Labcorp); PubMed 9536098 (cited by Labcorp Genetics (formerly Invitae), Labcorp).

NM_001734.5(C1S):c.1196-3C>T

Gene: C1S (complement C1s; plus strand). Cytogenetic location: 12p13.31.
Variant type: single nucleotide variant.
Coding change: c.1196-3C>T on transcript NM_001734.5 (MANE Select); 3 bases into the intron before coding-DNA position 1196, C replaced by T.
Molecular consequence: intron variant.
Genome position (GRCh38, 1-based): chr12:7,068,453, C>T. VCF-style: chr12-7068453-C-T. GRCh37 (hg19) VCF-style: chr12-7175757-C-T.
Other names: c.1196-3C>T (NM_201442.4); c.695-3C>T (NM_001346850.2).
Identifiers: ClinVar variation 4690590 (VCV004690590.2).